The following is an entry in ClinVar:

NM_004260.4(RECQL4):c.2470G>C (p.Asp824His)

Gene: RECQL4 (RecQ like helicase 4; minus strand). Cytogenetic location: 8q24.3.
Variant type: single nucleotide variant.
Coding change: c.2470G>C on transcript NM_004260.4 (MANE Select); coding-DNA position 2470, G replaced by C.
Protein change: p.Asp824His; replaces aspartic acid 824 with histidine.
Molecular consequence: missense variant.
Genome position (GRCh38, 1-based): chr8:144,513,132, C>G on the plus strand (G>C on the coding strand, the complement: RECQL4 is on the minus strand). VCF-style: chr8-144513132-C-G. GRCh37 (hg19) VCF-style: chr8-145738515-C-G.
Other names: short protein forms D824H.
Identifiers: ClinVar variation 406946 (VCV000406946.5), dbSNP rs901313954, ClinGen allele CA16612331.

ClinVar aggregate classification (germline): Uncertain significance (1 of 4 stars; one submission).

Conditions:
Baller-Gerold syndrome (BGS). Also called: CRANIOSYNOSTOSIS WITH RADIAL DEFECTS. Identifiers: Orphanet 1225, MedGen C0265308, MONDO:0009039, OMIM 218600.

Allele frequency attached by ClinVar (database versions not stated): gnomAD exomes below 0.00001 and 0.00001; gnomAD 0.00002.
gnomAD v4.1: 11 of 1,540,892 alleles (0.00071%); highest among the groups gnomAD compares: African/African-American, 0.0014%; no homozygotes.

Submission:

Labcorp Genetics (formerly Invitae), Labcorp
Classification: Uncertain significance for Baller-Gerold syndrome. Last evaluated: 2022-09-20. Review status: criteria provided, single submitter. Criteria: Invitae Variant Classification Sherloc (09022015). Collection method: clinical testing. Allele origin: germline.
Comment: In summary, the available evidence is currently insufficient to determine the role of this variant in disease. Therefore, it has been classified as a Variant of Uncertain Significance. ClinVar contains an entry for this variant (Variation ID: 406946). This variant has not been reported in the literature in individuals affected with RECQL4-related conditions. The frequency data for this variant in the population databases is considered unreliable, as metrics indicate poor data quality at this position in the gnomAD database. This sequence change replaces aspartic acid, which is acidic and polar, with histidine, which is basic and polar, at codon 824 of the RECQL4 protein (p.Asp824His).